The following is an entry in ClinVar:

ClinVar aggregate classification (germline): Likely pathogenic (1 of 4 stars; one submission).

Conditions:
Developmental and epileptic encephalopathy, 49 (DEE49). Also called: Epileptic encephalopathy, early infantile, 49. Identifiers: MedGen C4310635, MONDO:0015002, OMIM 617281.

Allele frequency attached by ClinVar (database versions not stated): gnomAD 0.00001.
gnomAD v4.1: 3 of 1,613,806 alleles (0.00019%); highest among the groups gnomAD compares: Non-Finnish European, 0.000085%; no homozygotes.

Submission:

Institute of Human Genetics, University of Leipzig Medical Center
Classification: Likely pathogenic for Developmental and epileptic encephalopathy, 49. Last evaluated: 2023-07-10. Review status: criteria provided, single submitter. Criteria: ACMG Guidelines, 2015. Collection method: clinical testing. Allele origin: maternal. Inheritance: Autosomal recessive inheritance. Affected: yes.
Comment: Criteria applied: PVS1,PM2_SUP

NM_015213.4(DENND5A):c.3388C>T (p.Arg1130Ter)

Gene: DENND5A (DENN domain containing 5A; minus strand). Cytogenetic location: 11p15.4.
Variant type: single nucleotide variant.
Coding change: c.3388C>T on transcript NM_015213.4 (MANE Select); coding-DNA position 3388, C replaced by T.
Protein change: p.Arg1130Ter; replaces arginine 1130 with a stop codon.
Molecular consequence: nonsense. On other transcripts: non-coding transcript variant (1).
Genome position (GRCh38, 1-based): chr11:9,142,845, G>A on the plus strand (C>T on the coding strand, the complement: DENND5A is on the minus strand). VCF-style: chr11-9142845-G-A. GRCh37 (hg19) VCF-style: chr11-9164392-G-A.
Other names: c.3388C>T, p.Arg1130Ter (NM_001243254.2, NM_001348748.1); c.3316C>T, p.Arg1106Ter (NM_001348749.2); c.3100C>T, p.Arg1034Ter (NM_001348750.2); short protein forms R1034*, R1106*, R1130*.
Identifiers: ClinVar variation 2576577 (VCV002576577.2), dbSNP rs1381160481, ClinGen allele CA379599290.